The following is an entry in ClinVar:

NM_001371928.1(AHDC1):c.3566C>T (p.Ala1189Val)

Gene: AHDC1 (AT-hook DNA binding motif containing 1; minus strand). Cytogenetic location: 1p36.11.
Variant type: single nucleotide variant.
Coding change: c.3566C>T on transcript NM_001371928.1 (MANE Select); coding-DNA position 3566, C replaced by T.
Protein change: p.Ala1189Val; replaces alanine 1189 with valine.
Molecular consequence: missense variant.
Genome position (GRCh38, 1-based): chr1:27,548,550, G>A on the plus strand (C>T on the coding strand, the complement: AHDC1 is on the minus strand). VCF-style: chr1-27548550-G-A. GRCh37 (hg19) VCF-style: chr1-27875061-G-A.
Other names: c.3566C>T, p.Ala1189Val (NM_001029882.3); short protein forms A1189V.
Identifiers: ClinVar variation 3645153 (VCV003645153.2).

ClinVar aggregate classification (germline): Uncertain significance (1 of 4 stars; one submission).

Submission:

Labcorp Genetics (formerly Invitae), Labcorp
Classification: Uncertain significance. Last evaluated: 2024-03-09. Review status: criteria provided, single submitter. Criteria: Invitae Variant Classification Sherloc (09022015). Collection method: clinical testing. Allele origin: germline.
Comment: This sequence change replaces alanine, which is neutral and non-polar, with valine, which is neutral and non-polar, at codon 1189 of the AHDC1 protein (p.Ala1189Val). This variant is not present in population databases (gnomAD no frequency). This variant has not been reported in the literature in individuals affected with AHDC1-related conditions. An algorithm developed to predict the effect of missense changes on protein structure and function (PolyPhen-2) suggests that this variant is likely to be disruptive. In summary, the available evidence is currently insufficient to determine the role of this variant in disease. Therefore, it has been classified as a Variant of Uncertain Significance.